The following is an entry in ClinVar:

NM_000354.6(SERPINA7):c.1163A>G (p.Asp388Gly)

Gene: SERPINA7 (serpin family A member 7; minus strand). Cytogenetic location: Xq22.3.
Variant type: single nucleotide variant.
Coding change: c.1163A>G on transcript NM_000354.6 (MANE Select); coding-DNA position 1163, A replaced by G.
Protein change: p.Asp388Gly; replaces aspartic acid 388 with glycine.
Molecular consequence: missense variant.
Genome position (GRCh38, 1-based): chrX:106,033,585, T>C on the plus strand (A>G on the coding strand, the complement: SERPINA7 is on the minus strand). VCF-style: chrX-106033585-T-C. GRCh37 (hg19) VCF-style: chrX-105277576-T-C.
Other names: short protein forms D388G.
Identifiers: ClinVar variation 1303674 (VCV001303674.4), dbSNP rs143311397, ClinGen allele CA10481635.

ClinVar aggregate classification (germline): Uncertain significance. Review status: criteria provided, multiple submitters, no conflicts (2 of 4 stars). 2 submissions from 2 submitters: Uncertain significance (2). Last evaluated 2025-03-04.

Allele frequency attached by ClinVar (database versions not stated): ExAC 0.00005; gnomAD exomes 0.00005 and 0.00006; gnomAD 0.00008; ESP Exome Variant Server 0.00019.
gnomAD v4.1: 74 of 1,209,335 alleles (0.0061%); highest among the groups gnomAD compares: Non-Finnish European, 0.008%; no homozygotes.

Submissions (2):

Center for Genomic Medicine, Rigshospitalet, Copenhagen University Hospital
Classification: Uncertain significance. Last evaluated: 2025-03-04. Review status: criteria provided, single submitter. Criteria: ACMG Guidelines, 2015. Collection method: clinical testing. Allele origin: germline.

GeneDx
Classification: Uncertain significance. Last evaluated: 2020-06-12. Review status: criteria provided, single submitter. Criteria: GeneDx Variant Classification Process June 2021. Collection method: clinical testing. Allele origin: germline. Affected: yes.
Comment: In silico analysis supports that this missense variant has a deleterious effect on protein structure/function; Has not been previously published as pathogenic or benign to our knowledge; This variant is associated with the following publications: (PMID: 26522458)

Literature cited by the submitters: PubMed 26522458 (cited by Center for Genomic Medicine, Rigshospitalet, Copenhagen University Hospital).